The following is an entry in ClinVar:

ClinVar aggregate classification (germline): Uncertain significance (1 of 4 stars; one submission).

gnomAD v4.1: 1 of 1,614,080 alleles (0.000062%); highest among the groups gnomAD compares: Non-Finnish European, 0.000085%; no homozygotes.

Submission:

GeneDx
Classification: Uncertain significance. Last evaluated: 2025-01-08. Review status: criteria provided, single submitter. Criteria: GeneDx Variant Classification Process June 2021. Collection method: clinical testing. Allele origin: germline. Affected: yes.
Comment: Not observed at significant frequency in large population cohorts (gnomAD); In silico analysis indicates that this missense variant does not alter protein structure/function; Has not been previously published as pathogenic or benign to our knowledge

NM_001148.6(ANK2):c.10405G>A (p.Asp3469Asn)

Gene: ANK2 (ankyrin 2; plus strand). Cytogenetic location: 4q26.
Variant type: single nucleotide variant.
Coding change: c.10405G>A on transcript NM_001148.6 (MANE Select); coding-DNA position 10405, G replaced by A.
Protein change: p.Asp3469Asn; replaces aspartic acid 3469 with asparagine.
Molecular consequence: missense variant. On other transcripts: intron variant (68).
Genome position (GRCh38, 1-based): chr4:113,359,023, G>A. VCF-style: chr4-113359023-G-A. GRCh37 (hg19) VCF-style: chr4-114280179-G-A.
Other names: c.10171G>A, p.Asp3391Asn (NM_001386142.1); c.6805G>A, p.Asp2269Asn (NM_001386166.1); c.10546G>A, p.Asp3516Asn (NM_001386174.1); c.10522G>A, p.Asp3508Asn (NM_001386175.1); c.4412-1800G>A (NM_001386186.2, NM_001386148.2); c.4214-1800G>A (NM_001354269.3); c.4292-1800G>A (NM_001386187.2); c.4253-1800G>A (NM_001386147.1); and 35 more; short protein forms D2269N, D3391N, D3469N, D3508N, D3516N.
Identifiers: ClinVar variation 4056983 (VCV004056983.1).
Genomic context (GRCh38, chr4:113,359,023, plus strand): 5'-ACTACATCTTCCTGCAGGGGGGGCACGAGCCCCACAAAAGAAAGTAAGGAGCATTTCTTT[G>A]ACCTTTACAGAAATTCCATAGAATTCTTTGAGGAGATTAGTGATGAGGCTTCCAAATTAG-3'
Protein context (NP_001139.3, residues 3459-3479): PTKESKEHFF[Asp3469Asn]LYRNSIEFFE